The following is an entry in ClinVar:

ClinVar aggregate classification (germline): Uncertain significance (1 of 4 stars; one submission).

Allele frequency attached by ClinVar (database versions not stated): ExAC 0.00003; gnomAD 0.00003; TOPMed 0.00004; gnomAD exomes 0.00006.
gnomAD v4.1: 88 of 1,612,844 alleles (0.0055%); highest among the groups gnomAD compares: Middle Eastern, 0.016%; no homozygotes.

Submission:

Labcorp Genetics (formerly Invitae), Labcorp
Classification: Uncertain significance. Last evaluated: 2022-09-19. Review status: criteria provided, single submitter. Criteria: Invitae Variant Classification Sherloc (09022015). Collection method: clinical testing. Allele origin: germline.
Comment: This sequence change falls in intron 10 of the SLC4A11 gene. It does not directly change the encoded amino acid sequence of the SLC4A11 protein. This variant is present in population databases (rs756817977, gnomAD 0.006%). This variant has not been reported in the literature in individuals affected with SLC4A11-related conditions. Algorithms developed to predict the effect of sequence changes on RNA splicing suggest that this variant may create or strengthen a splice site. In summary, the available evidence is currently insufficient to determine the role of this variant in disease. Therefore, it has been classified as a Variant of Uncertain Significance.

NM_001174089.2(SLC4A11):c.1282+19C>T

Gene: SLC4A11 (solute carrier family 4 member 11; minus strand). Cytogenetic location: 20p13.
Variant type: single nucleotide variant.
Coding change: c.1282+19C>T on transcript NM_001174089.2 (MANE Select); 19 bases into the intron after coding-DNA position 1282, C replaced by T.
Molecular consequence: intron variant.
Genome position (GRCh38, 1-based): chr20:3,230,713, G>A on the plus strand (C>T on the coding strand, the complement: SLC4A11 is on the minus strand). VCF-style: chr20-3230713-G-A. GRCh37 (hg19) VCF-style: chr20-3211359-G-A.
Other names: c.1225+19C>T (NM_001400277.1, NM_001400278.1, NM_001400279.1); c.1169-66C>T (NM_001363745.2); c.1298-66C>T (NM_001400280.1); c.1411+19C>T (NM_001174090.2); c.1330+19C>T (NM_032034.4).
Identifiers: ClinVar variation 2202565 (VCV002202565.1), dbSNP rs756817977, ClinGen allele CA9741920.